The following is an entry in ClinVar:

ClinVar aggregate classification (germline): Uncertain significance. Review status: criteria provided, multiple submitters, no conflicts (2 of 4 stars). 2 submissions from 2 submitters: Uncertain significance (2). Last evaluated 2025-03-07.

Conditions:
ZNF423-related disorder. Also called: ZNF423-related condition.
Nephronophthisis 14 (NPHP14). Identifiers: Orphanet 2318, MedGen C3539071, MONDO:0013916, OMIM 614844.

Allele frequency attached by ClinVar (database versions not stated): ExAC 0.00001.

Submissions (2):

PreventionGenetics, part of Exact Sciences
Classification: Uncertain significance for ZNF423-related condition. Last evaluated: 2025-03-07. Review status: criteria provided, single submitter. Criteria: ACMG Guidelines, 2015. Collection method: clinical testing. Allele origin: germline.
Comment: The ZNF423 c.2518G>C variant is predicted to result in the amino acid substitution p.Gly840Arg. To our knowledge, this variant has not been reported in the literature. This variant is reported in 0.0054% of alleles in individuals of East Asian descent in gnomAD. At this time, the clinical significance of this variant is uncertain due to the absence of conclusive functional and genetic evidence.

Labcorp Genetics (formerly Invitae), Labcorp
Classification: Uncertain significance for Nephronophthisis 14. Last evaluated: 2023-07-07. Review status: criteria provided, single submitter. Criteria: Invitae Variant Classification Sherloc (09022015). Collection method: clinical testing. Allele origin: germline.
Comment: This variant is present in population databases (rs772158477, gnomAD 0.006%). This sequence change replaces glycine, which is neutral and non-polar, with arginine, which is basic and polar, at codon 840 of the ZNF423 protein (p.Gly840Arg). This variant has not been reported in the literature in individuals affected with ZNF423-related conditions. In summary, the available evidence is currently insufficient to determine the role of this variant in disease. Therefore, it has been classified as a Variant of Uncertain Significance. Advanced modeling of protein sequence and biophysical properties (such as structural, functional, and spatial information, amino acid conservation, physicochemical variation, residue mobility, and thermodynamic stability) performed at Invitae indicates that this missense variant is not expected to disrupt ZNF423 protein function. ClinVar contains an entry for this variant (Variation ID: 2114924).

NM_001379286.1(ZNF423):c.2542G>C (p.Gly848Arg)

Gene: ZNF423 (zinc finger protein 423; minus strand). Cytogenetic location: 16q12.1.
Variant type: single nucleotide variant.
Coding change: c.2542G>C on transcript NM_001379286.1 (MANE Select); coding-DNA position 2542, G replaced by C.
Protein change: p.Gly848Arg; replaces glycine 848 with arginine.
Molecular consequence: missense variant.
Genome position (GRCh38, 1-based): chr16:49,636,634, C>G on the plus strand (G>C on the coding strand, the complement: ZNF423 is on the minus strand). VCF-style: chr16-49636634-C-G. GRCh37 (hg19) VCF-style: chr16-49670545-C-G.
Other names: c.2338G>C, p.Gly780Arg (NM_001271620.2); c.2167G>C, p.Gly723Arg (NM_001330533.2); c.2518G>C, p.Gly840Arg (NM_015069.5); c.2518G>C (NM_015069.4); short protein forms G723R, G840R, G780R, G848R.
Identifiers: ClinVar variation 2114924 (VCV002114924.5), dbSNP rs772158477, ClinGen allele CA8046486.